The following is an entry in ClinVar:

ClinVar aggregate classification (germline): Uncertain significance (1 of 4 stars; one submission).

Allele frequency attached by ClinVar (database versions not stated): gnomAD exomes below 0.00001.
gnomAD v4.1: 1 of 1,614,068 alleles (0.000062%); highest among the groups gnomAD compares: Non-Finnish European, 0.000085%; no homozygotes.

Submission:

Labcorp Genetics (formerly Invitae), Labcorp
Classification: Uncertain significance. Last evaluated: 2025-09-24. Review status: criteria provided, single submitter. Criteria: Invitae Variant Classification Sherloc (09022015). Collection method: clinical testing. Allele origin: germline.
Comment: This sequence change replaces lysine, which is basic and polar, with glutamic acid, which is acidic and polar, at codon 611 of the POLE protein (p.Lys611Glu). This variant is not present in population databases (gnomAD no frequency). This variant has not been reported in the literature in individuals affected with POLE-related conditions. ClinVar contains an entry for this variant (Variation ID: 936740). Invitae Evidence Modeling of protein sequence and biophysical properties (such as structural, functional, and spatial information, amino acid conservation, physicochemical variation, residue mobility, and thermodynamic stability) indicates that this missense variant is not expected to disrupt POLE protein function with a negative predictive value of 80%. In summary, the available evidence is currently insufficient to determine the role of this variant in disease. Therefore, it has been classified as a Variant of Uncertain Significance.

NM_006231.4(POLE):c.1831A>G (p.Lys611Glu)

Gene: POLE (DNA polymerase epsilon, catalytic subunit; minus strand). Cytogenetic location: 12q24.33.
Variant type: single nucleotide variant.
Coding change: c.1831A>G on transcript NM_006231.4 (MANE Select); coding-DNA position 1831, A replaced by G.
Protein change: p.Lys611Glu; replaces lysine 611 with glutamic acid.
Molecular consequence: missense variant.
Genome position (GRCh38, 1-based): chr12:132,668,903, T>C on the plus strand (A>G on the coding strand, the complement: POLE is on the minus strand). VCF-style: chr12-132668903-T-C. GRCh37 (hg19) VCF-style: chr12-133245489-T-C.
Other names: short protein forms K611E.
Identifiers: ClinVar variation 936740 (VCV000936740.9), dbSNP rs2042861856, ClinGen allele CA387355568.
Genomic context (GRCh38, chr12:132,668,903, plus strand): 5'-ACATGGCCCCCACGTCCAGGTGGTAGATGAGTGGACACTCGATGCGGCTGGGAACGTCCT[T>C]CAGGGAGGCAAGCTTGCTCTTAATCTCATCACACACCTGCAGAGAAAGCGAAACTCAGTA-3'
Protein context (NP_006222.2, residues 601-621): DEIKSKLASL[Lys611Glu]DVPSRIECPL